The following is an entry in ClinVar:

NM_024718.5(RABL6):c.*79G>A

Gene: RABL6 (RAB, member RAS oncogene family like 6; plus strand). Cytogenetic location: 9q34.3.
Variant type: single nucleotide variant.
Coding change: c.*79G>A on transcript NM_024718.5 (MANE Select); 79 bases downstream of the stop codon, G replaced by A.
Molecular consequence: 3 prime UTR variant.
Genome position (GRCh38, 1-based): chr9:136,840,601, G>A. VCF-style: chr9-136840601-G-A. GRCh37 (hg19) VCF-style: chr9-139735053-G-A.
Other names: c.*79G>A (NM_001173988.2).
Identifiers: ClinVar variation 2659754 (VCV002659754.24), dbSNP rs780415653, ClinGen allele CA5346836.
Genomic context (GRCh38, chr9:136,840,601, plus strand): 5'-CGCCCTGGGGCGGGGGGCGTGCCTGTCACTGCCTGGGGAGGCATTTGCCTCTGTACCATC[G>A]CCTTTGCCGCTGCCCCGTGGCTGCCGTGTGCGCTTCTGAGCTGGAAGAGGCCGGGCATTG-3'

ClinVar aggregate classification (germline): Likely benign (1 of 4 stars; one submission).

Allele frequency attached by ClinVar (database versions not stated): ExAC 0.00034; gnomAD 0.00071.

Submission:

CeGaT Center for Human Genetics Tuebingen
Classification: Likely benign. Last evaluated: 2022-07-01. Review status: criteria provided, single submitter. Criteria: CeGaT Center For Human Genetics Tuebingen Variant Classification Criteria Version 2. Collection method: clinical testing. Allele origin: germline. Affected: yes. Observed: 2 variant alleles.
Comment: RABL6: BP4